The following is an entry in ClinVar:

ClinVar aggregate classification (germline): Uncertain significance (1 of 4 stars; one submission).

Conditions:
Aortic aneurysm, familial thoracic 6 (AAT6). Also called: FAMILIAL THORACIC AORTIC ANEURYSM WITH LIVEDO RETICULARIS AND IRIS FLOCCULI. Identifiers: MedGen C2673186, MONDO:0012730, OMIM 611788.

Submission:

Labcorp Genetics (formerly Invitae), Labcorp
Classification: Uncertain significance for Aortic aneurysm, familial thoracic 6. Last evaluated: 2023-06-02. Review status: criteria provided, single submitter. Criteria: Invitae Variant Classification Sherloc (09022015). Collection method: clinical testing. Allele origin: germline.
Comment: This sequence change replaces aspartic acid, which is acidic and polar, with histidine, which is basic and polar, at codon 156 of the ACTA2 protein (p.Asp156His). In summary, the available evidence is currently insufficient to determine the role of this variant in disease. Therefore, it has been classified as a Variant of Uncertain Significance. Advanced modeling of protein sequence and biophysical properties (such as structural, functional, and spatial information, amino acid conservation, physicochemical variation, residue mobility, and thermodynamic stability) performed at Invitae indicates that this missense variant is not expected to disrupt ACTA2 protein function. This variant is not present in population databases (gnomAD no frequency). This variant has not been reported in the literature in individuals affected with ACTA2-related conditions.

NM_001613.4(ACTA2):c.466G>C (p.Asp156His)

Gene: ACTA2 (actin alpha 2, smooth muscle; minus strand). Cytogenetic location: 10q23.31.
Variant type: single nucleotide variant.
Coding change: c.466G>C on transcript NM_001613.4 (MANE Select); coding-DNA position 466, G replaced by C.
Protein change: p.Asp156His; replaces aspartic acid 156 with histidine.
Molecular consequence: missense variant.
Genome position (GRCh38, 1-based): chr10:88,941,379, C>G on the plus strand (G>C on the coding strand, the complement: ACTA2 is on the minus strand). VCF-style: chr10-88941379-C-G. GRCh37 (hg19) VCF-style: chr10-90701136-C-G.
Other names: c.466G>C, p.Asp156His (NM_001141945.3, NM_001320855.2, NM_001406462.1 and 3 more transcripts); c.355G>C, p.Asp119His (NM_001406466.1); c.337G>C, p.Asp113His (NM_001406467.1, NM_001406468.1, NM_001406469.1); short protein forms D113H, D119H, D156H.
Identifiers: ClinVar variation 2756936 (VCV002756936.3), dbSNP rs2494538832, ClinGen allele CA377512364.